The following is an entry in ClinVar:

ClinVar aggregate classification (germline): Pathogenic (1 of 4 stars; one submission).

Conditions:
RYR1-related disorder. Also called: RYR1-related disorders; RYR1-related condition. Identifiers: MedGen CN239331.

Submission:

Labcorp Genetics (formerly Invitae), Labcorp
Classification: Pathogenic for RYR1-related disorder. Last evaluated: 2023-09-27. Review status: criteria provided, single submitter. Criteria: Invitae Variant Classification Sherloc (09022015). Collection method: clinical testing. Allele origin: unknown.
Comment: This variant is a gross deletion of the genomic region encompassing exon(s) 32-33 of the RYR1 gene. This deletion is out-of-frame, and is expected to create a premature termination codon and result in an absent or disrupted protein product. Loss-of-function variants in RYR1 are known to be pathogenic (PMID: 23919265, 25960145, 28818389, 30611313). This variant has not been reported in the literature in individuals affected with RYR1-related conditions. For these reasons, this variant has been classified as Pathogenic.

Literature cited by the submitters: PubMed 23919265; PubMed 25960145; PubMed 28818389; PubMed 30611313.

NC_000019.9:g.(?_38973647)_(38974176_?)del

Gene: RYR1 (ryanodine receptor 1; plus strand). Cytogenetic location: 19q13.2.
Variant type: Deletion.
Identifiers: ClinVar variation 3248526 (VCV003248526.1).